The following is an entry in ClinVar:

NM_003737.4(DCHS1):c.1612T>C (p.Tyr538His)

Gene: DCHS1 (dachsous cadherin-related 1; minus strand). Cytogenetic location: 11p15.4.
Variant type: single nucleotide variant.
Coding change: c.1612T>C on transcript NM_003737.4 (MANE Select); coding-DNA position 1612, T replaced by C.
Protein change: p.Tyr538His; replaces tyrosine 538 with histidine.
Molecular consequence: missense variant.
Genome position (GRCh38, 1-based): chr11:6,640,002, A>G on the plus strand (T>C on the coding strand, the complement: DCHS1 is on the minus strand). VCF-style: chr11-6640002-A-G. GRCh37 (hg19) VCF-style: chr11-6661233-A-G.
Other names: short protein forms Y538H.
Identifiers: ClinVar variation 1952002 (VCV001952002.5), dbSNP rs769164394, ClinGen allele CA5860929.

ClinVar aggregate classification (germline): Uncertain significance (1 of 4 stars; one submission).

Allele frequency attached by ClinVar (database versions not stated): gnomAD exomes below 0.00001; ExAC 0.00001.
gnomAD v4.1: 1 of 1,613,928 alleles (0.000062%); highest among the groups gnomAD compares: Admixed American, 0.0017%; no homozygotes.

Submission:

Labcorp Genetics (formerly Invitae), Labcorp
Classification: Uncertain significance. Last evaluated: 2022-08-23. Review status: criteria provided, single submitter. Criteria: Invitae Variant Classification Sherloc (09022015). Collection method: clinical testing. Allele origin: germline.
Comment: In summary, the available evidence is currently insufficient to determine the role of this variant in disease. Therefore, it has been classified as a Variant of Uncertain Significance. Advanced modeling of protein sequence and biophysical properties (such as structural, functional, and spatial information, amino acid conservation, physicochemical variation, residue mobility, and thermodynamic stability) performed at Invitae indicates that this missense variant is not expected to disrupt DCHS1 protein function. This variant has not been reported in the literature in individuals affected with DCHS1-related conditions. This variant is present in population databases (rs769164394, gnomAD no frequency). This sequence change replaces tyrosine, which is neutral and polar, with histidine, which is basic and polar, at codon 538 of the DCHS1 protein (p.Tyr538His).